The following is an entry in ClinVar:

NM_001384140.1(PCDH15):c.1423C>T (p.Gln475Ter)

Gene: PCDH15 (protocadherin related 15; minus strand). Cytogenetic location: 10q21.1.
Variant type: single nucleotide variant.
Coding change: c.1423C>T on transcript NM_001384140.1 (MANE Select); coding-DNA position 1423, C replaced by T.
Protein change: p.Gln475Ter; replaces glutamine 475 with a stop codon.
Molecular consequence: nonsense.
Genome position (GRCh38, 1-based): chr10:54,185,151, G>A on the plus strand (C>T on the coding strand, the complement: PCDH15 is on the minus strand). VCF-style: chr10-54185151-G-A. GRCh37 (hg19) VCF-style: chr10-55944911-G-A.
Other names: c.1438C>T, p.Gln480Ter (NM_001142763.2, NM_001142771.2); c.1423C>T, p.Gln475Ter (NM_001142764.2, NM_001142765.2, NM_001142766.2 and 6 more transcripts); c.1312C>T, p.Gln438Ter (NM_001142767.2); c.1357C>T, p.Gln453Ter (NM_001142768.2, NM_001142773.2, NM_001354404.2); c.1459C>T, p.Gln487Ter (NM_001142769.4); c.1444C>T, p.Gln482Ter (NM_001354411.2); short protein forms Q438*, Q453*, Q475*, Q480*, Q482*, Q487*.
Identifiers: ClinVar variation 1725734 (VCV001725734.2), dbSNP rs2539507853, ClinGen allele CA376515081.

ClinVar aggregate classification (germline): Likely pathogenic (1 of 4 stars; one submission).

Conditions:
Usher syndrome type 1D (USH1D). Also called: USHER SYNDROME, TYPE ID. Identifiers: Orphanet 231169, Orphanet 886, MedGen C1832845, MONDO:0010984, OMIM 601067.

Submission:

Myriad Genetics, Inc.
Classification: Likely pathogenic for Usher syndrome type 1D. Last evaluated: 2022-03-31. Review status: criteria provided, single submitter. Criteria: Myriad Women's Health Autosomal Recessive and X-Linked Classification Criteria (2021). Collection method: clinical testing. Allele origin: unknown.
Comment: NM_033056.3(PCDH15):c.1423C>T(Q475*) is expected to be pathogenic in the context of PCDH15-related disorders. This variant is predicted to lead to an abnormal or absent protein product due to the creation of a premature termination codon in PCDH15, a gene where loss-of-function variants are known to be pathogenic. Please note: this variant was assessed in the context of healthy population screening.